The following is an entry in ClinVar:

NM_004959.5(NR5A1):c.104G>C (p.Gly35Ala)

Gene: NR5A1 (nuclear receptor subfamily 5 group A member 1; minus strand). Cytogenetic location: 9q33.3.
Variant type: single nucleotide variant.
Coding change: c.104G>C on transcript NM_004959.5 (MANE Select); coding-DNA position 104, G replaced by C.
Protein change: p.Gly35Ala; replaces glycine 35 with alanine.
Molecular consequence: missense variant.
Genome position (GRCh38, 1-based): chr9:124,503,219, C>G on the plus strand (G>C on the coding strand, the complement: NR5A1 is on the minus strand). VCF-style: chr9-124503219-C-G. GRCh37 (hg19) VCF-style: chr9-127265498-C-G.
Other names: short protein forms G35A.
Identifiers: ClinVar variation 4783650 (VCV004783650.1).
Genomic context (GRCh38, chr9:124,503,219, plus strand): 5'-CAGCTCTGGCTCTCGGTGCACGTGTAGTGCTTGTTGTTCTGCACCGTGCGCTTGAAGAAG[C>G]CCTGCGGGAGCTGAGAGTCAGCGAGGCCCCGCAGCGCCCGTCTGCCGCACCCCTGCCGCG-3'
Protein context (NP_004950.2, residues 25-45): YGLLTCESCK[Gly35Ala]FFKRTVQNNK

ClinVar aggregate classification (germline): Likely pathogenic (1 of 4 stars; one submission).

Conditions:
46 XY differences of sex development. Also called: 46, XY disorder of sex development (DSD); 46,XY disorder of sex development. Identifiers: Orphanet 98085, MedGen C2751824, MONDO:0020040.
Oligosynaptic infertility (SPGF1). Also called: SPERMATOGENIC FAILURE 1; OLIGOCHIASMATIC INFERTILITY. Identifiers: MedGen C0403810, MONDO:0009776, OMIM 258150.

Submission:

Labcorp Genetics (formerly Invitae), Labcorp
Classification: Likely pathogenic for 46 XY differences of sex development; Oligosynaptic infertility. Last evaluated: 2025-08-13. Review status: criteria provided, single submitter. Criteria: Invitae Variant Classification Sherloc (09022015). Collection method: clinical testing. Allele origin: germline.
Comment: This sequence change replaces glycine, which is neutral and non-polar, with alanine, which is neutral and non-polar, at codon 35 of the NR5A1 protein (p.Gly35Ala). This variant is not present in population databases (gnomAD no frequency). This variant has not been reported in the literature in individuals affected with NR5A1-related conditions. Invitae Evidence Modeling of protein sequence and biophysical properties (such as structural, functional, and spatial information, amino acid conservation, physicochemical variation, residue mobility, and thermodynamic stability) indicates that this missense variant is expected to disrupt NR5A1 protein function with a positive predictive value of 95%. This variant disrupts the p.Gly35 amino acid residue in NR5A1. Other variant(s) that disrupt this residue have been determined to be pathogenic (PMID: 29582157). This suggests that this residue is clinically significant, and that variants that disrupt this residue are likely to be disease-causing. In summary, the currently available evidence indicates that the variant is pathogenic, but additional data are needed to prove that conclusively. Therefore, this variant has been classified as Likely Pathogenic.

Literature cited by the submitters: PubMed 29582157.